The following is an entry in ClinVar:

NM_004309.6(ARHGDIA):c.275-30_275-16del

Genes: ARHGDIA (Rho GDP dissociation inhibitor alpha; minus strand), LOC130061973 (ATAC-STARR-seq lymphoblastoid silent region 9158; plus strand). Cytogenetic location: 17q25.3.
Variant type: Deletion.
Coding change: c.275-30_275-16del on transcript NM_004309.6 (MANE Select); 30 bases into the intron before coding-DNA position 275 through 16 bases into the intron before coding-DNA position 275, 15 bases deleted (CAGTCATTGAGGGGG).
Molecular consequence: intron variant. On other transcripts: inframe deletion (1).
Genome position (GRCh38, 1-based): chr17:81,869,422-81,869,436, CCCCCTCAATGACTG deleted on the plus strand (CAGTCATTGAGGGGG on the coding strand, the reverse complement: ARHGDIA is on the minus strand); deleting any 15 consecutive bases within chr17:81,869,422-81,869,439 gives the same sequence; the c. name uses the placement nearest the transcript's 3' end. VCF-style (leftmost placement, unchanged base first): chr17-81869421-TCCCCCTCAATGACTG-T. GRCh37 (hg19) VCF-style: chr17-79827297-TCCCCCTCAATGACTG-T.
Other names: c.380_394del, p.Ala127_Gly131del (NM_001301243.2); c.275-30_275-16del (NM_001185078.3, NM_001301242.2, NM_001301240.2 and 2 more transcripts).
Identifiers: ClinVar variation 2768191 (VCV002768191.3), dbSNP rs2509974857, ClinGen allele CA2697555264.
Genomic context (GRCh38, chr17:81,869,421, plus strand): 5'-CCCTCCTTCAGCACAAACGACTGCTTCTTGAAGCTCTCCAGGTCGCCTGTTGGGGGGACC[TCCCCCTCAATGACTG>T]CCCAGCAGCCCTGCGCGAAGCCCCAGCCCTGCGCGGCCCCCTGGCTGCACTTCCCGAGAT-3'

ClinVar aggregate classification (germline): Uncertain significance (1 of 4 stars; one submission).

Submission:

Labcorp Genetics (formerly Invitae), Labcorp
Classification: Uncertain significance. Last evaluated: 2023-10-17. Review status: criteria provided, single submitter. Criteria: Invitae Variant Classification Sherloc (09022015). Collection method: clinical testing. Allele origin: germline.
Comment: This sequence change falls in intron 3 of the ARHGDIA gene. It does not directly change the encoded amino acid sequence of the ARHGDIA protein. This variant is not present in population databases (gnomAD no frequency). This variant has not been reported in the literature in individuals affected with ARHGDIA-related conditions. In summary, the available evidence is currently insufficient to determine the role of this variant in disease. Therefore, it has been classified as a Variant of Uncertain Significance.